The following is an entry in ClinVar:

NM_001999.4(FBN2):c.3688G>A (p.Gly1230Arg)

Gene: FBN2 (fibrillin 2; minus strand). Cytogenetic location: 5q23.3.
Variant type: single nucleotide variant.
Coding change: c.3688G>A on transcript NM_001999.4 (MANE Select); coding-DNA position 3688, G replaced by A.
Protein change: p.Gly1230Arg; replaces glycine 1230 with arginine.
Molecular consequence: missense variant.
Genome position (GRCh38, 1-based): chr5:128,336,024, C>T on the plus strand (G>A on the coding strand, the complement: FBN2 is on the minus strand). VCF-style: chr5-128336024-C-T. GRCh37 (hg19) VCF-style: chr5-127671716-C-T.
Other names: short protein forms G1230R.
Identifiers: ClinVar variation 3666819 (VCV003666819.2).

ClinVar aggregate classification (germline): Uncertain significance (1 of 4 stars; one submission).

Conditions:
Congenital contractural arachnodactyly (CCA). Also called: BEALS SYNDROME; Beals-Hecht syndrome; Arthrogryposis, distal, type 9. Identifiers: Orphanet 115, MedGen C0220668, MONDO:0007363, OMIM 121050.

gnomAD v4.1: 9 of 1,614,068 alleles (0.00056%); highest among the groups gnomAD compares: Non-Finnish European, 0.00076%; no homozygotes.

Submission:

Labcorp Genetics (formerly Invitae), Labcorp
Classification: Uncertain significance for Congenital contractural arachnodactyly. Last evaluated: 2025-01-01. Review status: criteria provided, single submitter. Criteria: Invitae Variant Classification Sherloc (09022015). Collection method: clinical testing. Allele origin: germline.
Comment: This sequence change replaces glycine, which is neutral and non-polar, with arginine, which is basic and polar, at codon 1230 of the FBN2 protein (p.Gly1230Arg). This variant is present in population databases (no rsID available, gnomAD 0.0009%). This variant has not been reported in the literature in individuals affected with FBN2-related conditions. Invitae Evidence Modeling of protein sequence and biophysical properties (such as structural, functional, and spatial information, amino acid conservation, physicochemical variation, residue mobility, and thermodynamic stability) indicates that this missense variant is expected to disrupt FBN2 protein function with a positive predictive value of 80%. In summary, the available evidence is currently insufficient to determine the role of this variant in disease. Therefore, it has been classified as a Variant of Uncertain Significance.